The following continues an entry in ClinVar:

NM_001005242.3(PKP2):c.235C>T (p.Arg79Ter)

Gene: PKP2. ClinVar aggregate classification (germline): Pathogenic. Pathogenic (22).

Submissions 14 to 27 of 27:

Institute for Clinical Genetics, University Hospital TU Dresden, University Hospital TU Dresden
Classification: Pathogenic. Last evaluated: 2021-11-03. Review status: criteria provided, single submitter. Criteria: ACMG Guidelines, 2015. Collection method: clinical testing. Allele origin: germline.

HudsonAlpha Institute for Biotechnology
Classification: Pathogenic for Arrhythmogenic right ventricular dysplasia 9. Last evaluated: 2020-11-13. Review status: criteria provided, single submitter. Criteria: ACMG Guidelines, 2015. Collection method: research. Allele origin: paternal. Observed: 1 variant allele. Study: CSER-SouthSeq.
Comment: ACMG codes:PVS1, PS4, PS3, PM2, PP1S

Laboratory for Molecular Medicine, Mass General Brigham Personalized Medicine
Classification: Pathogenic for Arrhythmogenic right ventricular cardiomyopathy. Last evaluated: 2019-02-13. Review status: criteria provided, single submitter. Criteria: LMM Criteria. Collection method: clinical testing. Allele origin: germline. Observed: 32 variant alleles.
Comment: The p.Arg79X variant in PKP2 has been previously identified in >15 individuals with ARVC and segregated with disease in >15 affected individuals from >5 families (Gerull 2004, Dalal 2006, van Tintelen 2006, den Haan 2009, Christensen 2010, van der Zwaag 2010, Larsen 2012, Noorman 2013, Rasmussen 2014, LMM data). This variant has also been identified in 1/111652 European chromosomes by gnomAD. This nonsense variant leads to a premature termination codon at position 79, which is predicted to lead to a truncated or absent protein. In vitro functional studies support that this variant results in reduced PKP2 expression (Joshi-Mukherjee 2008). Heterozygous loss of PKP2 function is an established disease mechanism in individuals with ARVC. In summary, this variant meets criteria to be classified as pathogenic for ARVC in an autosomal dominant manner. ACMG/AMP Criteria applied: PVS1, PS4, PP1_Strong, PM2.

Eurofins Ntd Llc (ga)
Classification: Pathogenic. Last evaluated: 2018-03-13. Review status: criteria provided, single submitter. Criteria: EGL ClinVar v180209 classification definitions. Collection method: clinical testing. Allele origin: germline.

Women's Health and Genetics/Laboratory Corporation of America, LabCorp
Classification: Pathogenic for Arrhythmia. Last evaluated: 2018-02-28. Review status: criteria provided, single submitter. Criteria: LabCorp Variant Classification Summary - May 2015. Collection method: clinical testing. Allele origin: germline.
Comment: Variant summary: PKP2 c.235C>T (p.Arg79X) results in a premature termination codon, predicted to cause a truncation of the encoded protein or absence of the protein due to nonsense mediated decay, which are commonly known mechanisms for disease. Truncations downstream of this position have been classified as pathogenic by our laboratory (eg. c.397C>T, p.Gln133X; c.1211dupT, p.Val406fsX4; c.1237C>T, p.Arg413X). The variant allele was found at a frequency of 4.1e-06 in 246126 control chromosomes. c.235C>T has been reported in the literature in multiple individuals affected with Arrhythmogenic Right Ventricular Dysplasia/Cardiomyopathy, including multiple affected individuals from several families, and was reported to be a Dutch founder mutation (Van der Zwaag_PKP2_NethHeartJ_2010). At least one publication reports experimental evidence evaluating an impact on protein function. This report showed the mutant protein failed to preferentially localize to sites of cell-cell apposition, resulted in reduced abundance of Cx43 after R79x expression and prevented its physical interaction with both DP and Cx43 (Joshi-Mukherjee_2008). Four clinical diagnostic laboratories have submitted clinical-significance assessments for this variant to ClinVar after 2014 without evidence for independent evaluation. All laboratories classified the variant as pathogenic. Based on the evidence outlined above, the variant was classified as pathogenic.

Human Genome Sequencing Center Clinical Lab, Baylor College of Medicine
Classification: Pathogenic for Arrhythmogenic right ventricular dysplasia 9. Last evaluated: 2018-01-30. Review status: criteria provided, single submitter. Criteria: ACMG Guidelines, 2015. Collection method: clinical testing. Allele origin: germline.
Comment: This variant has been previously described in multiple individuals with arrhythmogenic right ventricular cardiomyopathy (PMID 19955750, 15489853, 21301620, 21606396). In addition, experimental studies have shown that this variant results in reduced PKP2 protein expression, a loss of localization to sites of cell-cell contact and reduces interaction with connexin 43 protein in vitro (PMID 19084810). Therefore, we consider this variant to be pathogenic.

Genome Diagnostics Laboratory, University Medical Center Utrecht
Classification: Pathogenic for Arrhythmogenic right ventricular dysplasia 9. Last evaluated: 2014-10-08. Review status: criteria provided, single submitter. Criteria: ACGS Guidelines, 2013. Collection method: clinical testing. Allele origin: germline. Affected: yes. Study: VKGL Data-share Consensus.

Stanford Center for Inherited Cardiovascular Disease, Stanford University
Classification: Pathogenic. Last evaluated: 2014-07-29. Review status: criteria provided, single submitter. Criteria: ACMG Guidelines, 2015. Collection method: provider interpretation. Allele origin: germline.

Rady Children's Institute for Genomic Medicine, Rady Children's Hospital San Diego
Classification: Pathogenic for Cardiomyopathy. Review status: criteria provided, single submitter. Criteria: ACMG Guidelines, 2015. Collection method: clinical testing. Allele origin: germline. Affected: yes.
Comment: This nonsense variant found in exon 2 of 14 is predicted to result in loss of normal protein function through either protein truncation or nonsense-mediated mRNA decay (NMD). This variant has been previously reported as a heterozygous change in multiple individuals and families with arrhythmogenic right ventricular cardiomyopathy and was determined to be a Dutch founder mutation (PMID: 19955750, 15489853, 21301620, 30847666, 31386562, 21606396). Functional studies showed this variant leads to reduced PKP2 expression, poor localization to the cell membrane and altered desmosomal protein interactions (PMID: 19084810, 24704780). Loss-of-function variation in PKP2 is an established mechanism of disease (PMID: 19084810, 15489853). The c.235C>T (p.Arg79Ter) variant is present in the heterozygous state in the gnomAD population database at a frequency of 0.0003% (1/251328) and thus is presumed to be rare. Based on the available evidence, the c.235C>T (p.Arg79Ter) variant is classified as Pathogenic.

OMIM
Classification: Pathogenic for ARRHYTHMOGENIC RIGHT VENTRICULAR DYSPLASIA, FAMILIAL, 9. Last evaluated: 2004-11-01. Review status: no assertion criteria provided. Collection method: literature only. Allele origin: germline. Not counted in ClinVar's aggregate classification.

Clinical Genetics, Academic Medical Center
Classification: Pathogenic. Review status: no assertion criteria provided. Collection method: clinical testing. Allele origin: germline. Affected: yes. Study: VKGL Data-share Consensus. Not counted in ClinVar's aggregate classification.

Diagnostic Laboratory, Department of Genetics, University Medical Center Groningen
Classification: Pathogenic for Arrhythmogenic right ventricular dysplasia 9. Review status: no assertion criteria provided. Collection method: clinical testing. Allele origin: germline. Affected: yes. Study: VKGL Data-share Consensus. Not counted in ClinVar's aggregate classification.

Joint Genome Diagnostic Labs from Nijmegen and Maastricht, Radboudumc and MUMC+
Classification: Pathogenic. Review status: no assertion criteria provided. Collection method: clinical testing. Allele origin: germline. Affected: yes. Study: VKGL Data-share Consensus. Not counted in ClinVar's aggregate classification.

HudsonAlpha Institute for Biotechnology
Classification: Pathogenic for Arrhythmogenic right ventricular dysplasia 9. Last evaluated: 2017-11-28. Review status: flagged submission. Criteria: HA_AGHI_assertions_20171208. Collection method: research. Allele origin: unknown. Observed: 2 variant alleles. Study: AGHI-WGS-HudsonAlpha. Not counted in ClinVar's aggregate classification.
ClinVar note: Reason: This record appears to be redundant with a more recent record from the same submitter.
ClinVar note: Notes: SCV000731253 appears to be redundant with SCV001468665.

Literature cited by the submitters: PubMed 15489853 (cited by 5 submitters); PubMed 17041889 (cited by Labcorp Genetics (formerly Invitae), Labcorp); PubMed 23911551 (cited by Labcorp Genetics (formerly Invitae), Labcorp); PubMed 19955750 (cited by 3 submitters); PubMed 21301620 (cited by 6 submitters); PubMed 21606396 (cited by Labcorp Genetics (formerly Invitae), Labcorp and Color Diagnostics, LLC DBA Color Health); PubMed 19084810 (cited by 5 submitters); PubMed 24704780 (cited by 4 submitters); PubMed 30847666 (cited by Mayo Clinic Laboratories, Mayo Clinic); PubMed 25765472 (cited by Color Diagnostics, LLC DBA Color Health); PubMed 31386562 (cited by Color Diagnostics, LLC DBA Color Health); PubMed 20031617 (cited by Laboratory for Molecular Medicine, Mass General Brigham Personalized Medicine); PubMed 22177269 (cited by Laboratory for Molecular Medicine, Mass General Brigham Personalized Medicine); PubMed 23178689 (cited by Laboratory for Molecular Medicine, Mass General Brigham Personalized Medicine); PubMed 16567567 (cited by Laboratory for Molecular Medicine, Mass General Brigham Personalized Medicine); PubMed 16549640 (cited by Laboratory for Molecular Medicine, Mass General Brigham Personalized Medicine).